The following is an entry in ClinVar:

NM_017763.6(RNF43):c.2234C>T (p.Ser745Phe)

Gene: RNF43 (ring finger protein 43; minus strand). Cytogenetic location: 17q22.
Variant type: single nucleotide variant.
Coding change: c.2234C>T on transcript NM_017763.6 (MANE Select); coding-DNA position 2234, C replaced by T.
Protein change: p.Ser745Phe; replaces serine 745 with phenylalanine.
Molecular consequence: missense variant.
Genome position (GRCh38, 1-based): chr17:58,357,542, G>A on the plus strand (C>T on the coding strand, the complement: RNF43 is on the minus strand). VCF-style: chr17-58357542-G-A. GRCh37 (hg19) VCF-style: chr17-56434903-G-A.
Other names: c.2234C>T, p.Ser745Phe (NM_001305544.3); c.1853C>T, p.Ser618Phe (NM_001305545.2); short protein forms S745F, S618F.
Identifiers: ClinVar variation 1444503 (VCV001444503.8), dbSNP rs370703233, ClinGen allele CA292030373.
Genomic context (GRCh38, chr17:58,357,542, plus strand): 5'-AGCACCTGGCAGTGCGGATAAGGGCATGGCCTGCCCTCTGCGGTGTCAGAACTCCATTCA[G>A]AAGGCCCCTCCCCAGGTGGATGTGGTTCCAGGGGCTGGCGAGGAGTCAGGCACAACCACA-3'
Protein context (NP_060233.3, residues 735-755): LEPHPPGEGP[Ser745Phe]EWSSDTAEGR

ClinVar aggregate classification (germline): Conflicting classifications of pathogenicity. Review status: criteria provided, conflicting classifications (1 of 4 stars). 3 submissions from 3 submitters: Uncertain significance (2); Likely benign (1). Last evaluated 2025-11-18.

Allele frequency attached by ClinVar (database versions not stated): gnomAD 0.00001; TOPMed 0.00001; gnomAD exomes 0.00002; ESP Exome Variant Server 0.00008.
gnomAD v4.1: 35 of 1,614,096 alleles (0.0022%); highest among the groups gnomAD compares: Non-Finnish European, 0.0029%; no homozygotes.

Submissions (3):

Labcorp Genetics (formerly Invitae), Labcorp
Classification: Uncertain significance. Last evaluated: 2025-11-18. Review status: criteria provided, single submitter. Criteria: Invitae Variant Classification Sherloc (09022015). Collection method: clinical testing. Allele origin: germline.
Comment: This sequence change replaces serine, which is neutral and polar, with phenylalanine, which is neutral and non-polar, at codon 745 of the RNF43 protein (p.Ser745Phe). This variant is not present in population databases (gnomAD no frequency). This variant has not been reported in the literature in individuals affected with RNF43-related conditions. ClinVar contains an entry for this variant (Variation ID: 1444503). An algorithm developed to predict the effect of missense changes on protein structure and function (PolyPhen-2) suggests that this variant is likely to be tolerated. In summary, the available evidence is currently insufficient to determine the role of this variant in disease. Therefore, it has been classified as a Variant of Uncertain Significance.

Ambry Genetics
Classification: Likely benign. Last evaluated: 2025-09-24. Review status: criteria provided, single submitter. Criteria: Ambry Variant Classification Scheme 2023. Collection method: clinical testing. Allele origin: germline.

GeneDx
Classification: Uncertain significance. Last evaluated: 2023-06-06. Review status: criteria provided, single submitter. Criteria: GeneDx Variant Classification Process June 2021. Collection method: clinical testing. Allele origin: germline. Affected: yes.
Comment: Not observed at significant frequency in large population cohorts (gnomAD); In silico analysis supports that this missense variant does not alter protein structure/function; Has not been previously published as pathogenic or benign to our knowledge; Variants in candidate genes are classified as variants of uncertain significance in accordance with ACMG guidelines (Richards et al., 2015)